The following is an entry in ClinVar:

ClinVar aggregate classification (germline): Uncertain significance (1 of 4 stars; one submission).

Conditions:
Cardiomyopathy (CMYO). Also called: Cardiomyopathies. Identifiers: Orphanet 167848, MedGen C0878544, MONDO:0004994, HP:0001638. Inheritance: Various modes of inheritance.

Submission:

Color Diagnostics, LLC DBA Color Health
Classification: Uncertain significance for Cardiomyopathy. Last evaluated: 2021-01-05. Review status: criteria provided, single submitter. Criteria: ACMG Guidelines, 2015. Collection method: clinical testing. Allele origin: germline.
Comment: This missense variant replaces proline with leucine at codon 857 of the DSG2 protein. Computational prediction suggests that this variant may not impact protein structure and function (internally defined REVEL score threshold <= 0.5, PMID: 27666373). To our knowledge, functional studies have not been reported for this variant. This variant has not been reported in individuals affected with cardiovascular disorders in the literature. This variant has not been identified in the general population by the Genome Aggregation Database (gnomAD). The available evidence is insufficient to determine the role of this variant in disease conclusively. Therefore, this variant is classified as a Variant of Uncertain Significance.

NM_001943.5(DSG2):c.2570C>T (p.Pro857Leu)

Genes: DSG2 (desmoglein 2; plus strand), DSG2-AS1 (DSG2 antisense RNA 1; minus strand). Cytogenetic location: 18q12.1.
Variant type: single nucleotide variant.
Coding change: c.2570C>T on transcript NM_001943.5 (MANE Select); coding-DNA position 2570, C replaced by T.
Protein change: p.Pro857Leu; replaces proline 857 with leucine.
Molecular consequence: missense variant.
Genome position (GRCh38, 1-based): chr18:31,545,956, C>T. VCF-style: chr18-31545956-C-T. GRCh37 (hg19) VCF-style: chr18-29125919-C-T.
Other names: short protein forms P857L.
Identifiers: ClinVar variation 1171263 (VCV001171263.2), dbSNP rs2144359416, ClinGen allele CA402145189.
Genomic context (GRCh38, chr18:31,545,956, plus strand): 5'-CTGAAGTTTGCCTGGGTCAAAAAATAGATATAAATAAGGAAATTGAGCAGAGACAAAAAC[C>T]TGCCACAGAAACAAGTATGAACACAGCTTCACATTCACTCTGTGAGCAAACTATGGTTAA-3'
Protein context (NP_001934.2, residues 847-867): INKEIEQRQK[Pro857Leu]ATETSMNTAS